The following is an entry in ClinVar:

ClinVar aggregate classification (germline): Uncertain significance. Review status: criteria provided, multiple submitters, no conflicts (2 of 4 stars). 2 submissions from 2 submitters: Uncertain significance (2). Last evaluated 2025-10-01.

Conditions:
Autosomal dominant limb-girdle muscular dystrophy type 1F (LGMDD2). Also called: Limb-girdle muscular dystrophy, type 1F; MUSCULAR DYSTROPHY, LIMB-GIRDLE, AUTOSOMAL DOMINANT 2. Identifiers: Orphanet 55595, MedGen C1842062, MONDO:0012034, OMIM 608423.
Inborn genetic diseases. Identifiers: MedGen C0950123, MeSH D030342.

Allele frequency attached by ClinVar (database versions not stated): gnomAD exomes below 0.00001.
gnomAD v4.1: 1 of 1,614,134 alleles (0.000062%); highest among the groups gnomAD compares: Non-Finnish European, 0.000085%; no homozygotes.

Submissions (2):

Ambry Genetics
Classification: Uncertain significance for Inborn genetic diseases. Last evaluated: 2025-10-01. Review status: criteria provided, single submitter. Criteria: Ambry Variant Classification Scheme 2023. Collection method: clinical testing. Allele origin: germline.

Labcorp Genetics (formerly Invitae), Labcorp
Classification: Uncertain significance for Autosomal dominant limb-girdle muscular dystrophy type 1F. Last evaluated: 2023-11-07. Review status: criteria provided, single submitter. Criteria: Invitae Variant Classification Sherloc (09022015). Collection method: clinical testing. Allele origin: germline.
Comment: This sequence change replaces asparagine, which is neutral and polar, with aspartic acid, which is acidic and polar, at codon 357 of the TNPO3 protein (p.Asn357Asp). This variant is not present in population databases (gnomAD no frequency). This variant has not been reported in the literature in individuals affected with TNPO3-related conditions. Advanced modeling of protein sequence and biophysical properties (such as structural, functional, and spatial information, amino acid conservation, physicochemical variation, residue mobility, and thermodynamic stability) performed at Invitae indicates that this missense variant is not expected to disrupt TNPO3 protein function with a negative predictive value of 80%. In summary, the available evidence is currently insufficient to determine the role of this variant in disease. Therefore, it has been classified as a Variant of Uncertain Significance.

NM_012470.4(TNPO3):c.1069A>G (p.Asn357Asp)

Gene: TNPO3 (transportin 3; minus strand). Cytogenetic location: 7q32.1.
Variant type: single nucleotide variant.
Coding change: c.1069A>G on transcript NM_012470.4 (MANE Select); coding-DNA position 1069, A replaced by G.
Protein change: p.Asn357Asp; replaces asparagine 357 with aspartic acid.
Molecular consequence: missense variant. On other transcripts: non-coding transcript variant (17), intron variant (1).
Genome position (GRCh38, 1-based): chr7:128,997,478, T>C on the plus strand (A>G on the coding strand, the complement: TNPO3 is on the minus strand). VCF-style: chr7-128997478-T-C. GRCh37 (hg19) VCF-style: chr7-128637532-T-C.
Other names: c.1069A>G, p.Asn357Asp (NM_001191028.3, NM_001382216.1, NM_001382218.1 and 3 more transcripts); c.1150A>G, p.Asn384Asp (NM_001382217.1); c.925A>G, p.Asn309Asp (NM_001382221.1); c.1011+2951A>G (NM_001382222.1); c.1069A>G (NM_012470.3); short protein forms N309D, N384D, N357D.
Identifiers: ClinVar variation 2808456 (VCV002808456.4), dbSNP rs2536210742, ClinGen allele CA369235378.